The following is an entry in ClinVar:

ClinVar aggregate classification (germline): Uncertain significance (1 of 4 stars; one submission).

Conditions:
Generalized epilepsy with febrile seizures plus, type 7 (GEFSP7). Also called: GEFS+, TYPE 7. Identifiers: Orphanet 36387, MedGen C2751778, MONDO:0013470, OMIM 613863.
Neuropathy, hereditary sensory and autonomic, type 2A (HSAN2A). Also called: HSAN IIA; WNK1-Related HSAN2 (HSAN2A); MORVAN DISEASE; NEUROPATHY, CONGENITAL SENSORY; NEUROPATHY, HEREDITARY SENSORY RADICULAR, AUTOSOMAL RECESSIVE; NEUROPATHY, HEREDITARY SENSORY, TYPE IIA. Identifiers: Orphanet 970, MedGen C2752089, MONDO:0024309, OMIM 201300.

Allele frequency attached by ClinVar (database versions not stated): gnomAD exomes below 0.00001.
gnomAD v4.1: 2 of 1,613,958 alleles (0.00012%); highest among the groups gnomAD compares: Non-Finnish European, 0.00017%; no homozygotes.

Submission:

Labcorp Genetics (formerly Invitae), Labcorp
Classification: Uncertain significance for Neuropathy, hereditary sensory and autonomic, type 2A; Generalized epilepsy with febrile seizures plus, type 7. Last evaluated: 2021-09-03. Review status: criteria provided, single submitter. Criteria: Invitae Variant Classification Sherloc (09022015). Collection method: clinical testing. Allele origin: germline.
Comment: This sequence change replaces isoleucine with asparagine at codon 602 of the SCN9A protein (p.Ile602Asn). The isoleucine residue is moderately conserved and there is a large physicochemical difference between isoleucine and asparagine. This variant is not present in population databases (ExAC no frequency). This variant has not been reported in the literature in individuals affected with SCN9A-related conditions. Algorithms developed to predict the effect of missense changes on protein structure and function are either unavailable or do not agree on the potential impact of this missense change (SIFT: "Deleterious"; PolyPhen-2: "Benign"; Align-GVGD: "Class C0"). In summary, the available evidence is currently insufficient to determine the role of this variant in disease. Therefore, it has been classified as a Variant of Uncertain Significance.

NM_001365536.1(SCN9A):c.1805T>A (p.Ile602Asn)

Genes: SCN9A (sodium voltage-gated channel alpha subunit 9; minus strand), SCN1A-AS1 (SCN1A and SCN9A antisense RNA 1; plus strand). Cytogenetic location: 2q24.3.
Variant type: single nucleotide variant.
Coding change: c.1805T>A on transcript NM_001365536.1 (MANE Select); coding-DNA position 1805, T replaced by A.
Protein change: p.Ile602Asn; replaces isoleucine 602 with asparagine.
Molecular consequence: missense variant.
Genome position (GRCh38, 1-based): chr2:166,284,622, A>T on the plus strand (T>A on the coding strand, the complement: SCN9A is on the minus strand). VCF-style: chr2-166284622-A-T. GRCh37 (hg19) VCF-style: chr2-167141132-A-T.
Other names: c.1805T>A, p.Ile602Asn (NM_002977.4); short protein forms I602N.
Identifiers: ClinVar variation 1477914 (VCV001477914.1), dbSNP rs2106483192, ClinGen allele CA349083159.